The following is an entry in ClinVar:

NM_001792.5(CDH2):c.1382C>T (p.Thr461Ile)

Gene: CDH2 (cadherin 2; minus strand). Cytogenetic location: 18q12.1.
Variant type: single nucleotide variant.
Coding change: c.1382C>T on transcript NM_001792.5 (MANE Select); coding-DNA position 1382, C replaced by T.
Protein change: p.Thr461Ile; replaces threonine 461 with isoleucine.
Molecular consequence: missense variant.
Genome position (GRCh38, 1-based): chr18:27,990,313, G>A on the plus strand (C>T on the coding strand, the complement: CDH2 is on the minus strand). VCF-style: chr18-27990313-G-A. GRCh37 (hg19) VCF-style: chr18-25570277-G-A.
Other names: c.1289C>T, p.Thr430Ile (NM_001308176.2); short protein forms T461I, T430I.
Identifiers: ClinVar variation 1771319 (VCV001771319.8), dbSNP rs201799084, ClinGen allele CA8923403.
Genomic context (GRCh38, chr18:27,990,313, plus strand): 5'-GTTGACTGAGGGGGGTGCTGAATTCCCTTGGCTAATGGCACTTGATTTTCTGCAGCAACA[G>A]TAAGGACAAACATCCTATTTGTTTCAAAGTCGATTGGCTGGAAAATAAAAGGGAAGCCAT-3'
Protein context (NP_001783.2, residues 451-471): DFETNRMFVL[Thr461Ile]VAAENQVPLA

ClinVar aggregate classification (germline): Uncertain significance. Review status: criteria provided, multiple submitters, no conflicts (2 of 4 stars). 2 submissions from 2 submitters: Uncertain significance (2). Last evaluated 2025-09-08.

Conditions:
Inborn genetic diseases. Identifiers: MedGen C0950123, MeSH D030342.

Allele frequency attached by ClinVar (database versions not stated): gnomAD 0.00001; ExAC 0.00002; TOPMed 0.00002.
gnomAD v4.1: 67 of 1,613,564 alleles (0.0042%); highest among the groups gnomAD compares: Non-Finnish European, 0.0057%; no homozygotes.

Submissions (2):

Labcorp Genetics (formerly Invitae), Labcorp
Classification: Uncertain significance. Last evaluated: 2025-09-08. Review status: criteria provided, single submitter. Criteria: Invitae Variant Classification Sherloc (09022015). Collection method: clinical testing. Allele origin: germline.
Comment: This sequence change replaces threonine, which is neutral and polar, with isoleucine, which is neutral and non-polar, at codon 461 of the CDH2 protein (p.Thr461Ile). This variant is present in population databases (rs201799084, gnomAD 0.002%). This missense change has been observed in individual(s) with unexplained cardiac arrest (PMID: 35352813). ClinVar contains an entry for this variant (Variation ID: 1771319). An algorithm developed to predict the effect of missense changes on protein structure and function (PolyPhen-2) suggests that this variant is likely to be disruptive. In summary, the available evidence is currently insufficient to determine the role of this variant in disease. Therefore, it has been classified as a Variant of Uncertain Significance.

Ambry Genetics
Classification: Uncertain significance for Inborn genetic diseases. Last evaluated: 2022-10-02. Review status: criteria provided, single submitter. Criteria: Ambry Variant Classification Scheme 2023. Collection method: clinical testing. Allele origin: germline.
Comment: The p.T461I variant (also known as c.1382C>T), located in coding exon 10 of the CDH2 gene, results from a C to T substitution at nucleotide position 1382. The threonine at codon 461 is replaced by isoleucine, an amino acid with similar properties. This amino acid position is conserved. In addition, the in silico prediction for this alteration is inconclusive. Since supporting evidence is limited at this time, the clinical significance of this alteration remains unclear.

Literature cited by the submitters: PubMed 35352813 (cited by Labcorp Genetics (formerly Invitae), Labcorp).